The following is an entry in ClinVar:

ClinVar aggregate classification (germline): Conflicting classifications of pathogenicity. Review status: criteria provided, conflicting classifications (1 of 4 stars). 4 submissions from 4 submitters: Likely pathogenic (1); Uncertain significance (3). Last evaluated 2024-10-21.

Conditions:
Mucopolysaccharidosis, MPS-III-A (MPS3A). Also called: SANFILIPPO SYNDROME A; SULFAMIDASE DEFICIENCY; MPS III A; HEPARAN SULFATE SULFATASE DEFICIENCY; Mucopolysaccharidosis, type IIIA; MUCOPOLYSACCHARIDOSIS, TYPE IIIA, ATTENUATED. Identifiers: Orphanet 581, Orphanet 79269, MedGen C0086647, MONDO:0009655, OMIM 252900.

Allele frequency attached by ClinVar (database versions not stated): gnomAD 0.00001; gnomAD exomes 0.00006; ExAC 0.00007; TOPMed 0.00002.

Submissions (4):

Labcorp Genetics (formerly Invitae), Labcorp
Classification: Likely pathogenic for Mucopolysaccharidosis, MPS-III-A. Last evaluated: 2024-10-21. Review status: criteria provided, single submitter. Criteria: Invitae Variant Classification Sherloc (09022015). Collection method: clinical testing. Allele origin: germline.
Comment: This sequence change replaces threonine, which is neutral and polar, with methionine, which is neutral and non-polar, at codon 421 of the SGSH protein (p.Thr421Met). This variant is present in population databases (rs767649680, gnomAD 0.02%). This missense change has been observed in individual(s) with mucopolysaccharidosis type III (PMID: 37596900). ClinVar contains an entry for this variant (Variation ID: 889231). Invitae Evidence Modeling of protein sequence and biophysical properties (such as structural, functional, and spatial information, amino acid conservation, physicochemical variation, residue mobility, and thermodynamic stability) indicates that this missense variant is expected to disrupt SGSH protein function with a positive predictive value of 95%. This variant disrupts the p.Thr421 amino acid residue in SGSH. Other variant(s) that disrupt this residue have been determined to be pathogenic (PMID: 21061399, 25807448, 29023963, 31718697). This suggests that this residue is clinically significant, and that variants that disrupt this residue are likely to be disease-causing. In summary, the currently available evidence indicates that the variant is pathogenic, but additional data are needed to prove that conclusively. Therefore, this variant has been classified as Likely Pathogenic.

Blueprint Genetics
Classification: Uncertain significance. Last evaluated: 2021-12-29. Review status: criteria provided, single submitter. Criteria: ACMG Guidelines, 2015. Collection method: clinical testing. Allele origin: germline.

Genome-Nilou Lab
Classification: Uncertain significance for Mucopolysaccharidosis, MPS-III-A. Last evaluated: 2021-11-07. Review status: criteria provided, single submitter. Criteria: ACMG Guidelines, 2015. Collection method: clinical testing. Allele origin: germline. Affected: no.

Illumina Laboratory Services, Illumina
Classification: Uncertain significance for Mucopolysaccharidosis, MPS-III-A. Last evaluated: 2017-04-27. Review status: criteria provided, single submitter. Criteria: ICSL Variant Classification Criteria 13 December 2019. Collection method: clinical testing. Allele origin: germline.

Literature cited by the submitters: PubMed 37596900 (cited by Labcorp Genetics (formerly Invitae), Labcorp); PubMed 21061399 (cited by Labcorp Genetics (formerly Invitae), Labcorp); PubMed 25807448 (cited by Labcorp Genetics (formerly Invitae), Labcorp); PubMed 29023963 (cited by Labcorp Genetics (formerly Invitae), Labcorp); PubMed 31718697 (cited by Labcorp Genetics (formerly Invitae), Labcorp).

NM_000199.5(SGSH):c.1262C>T (p.Thr421Met)

Gene: SGSH (N-sulfoglucosamine sulfohydrolase; minus strand). Cytogenetic location: 17q25.3.
Variant type: single nucleotide variant.
Coding change: c.1262C>T on transcript NM_000199.5 (MANE Select); coding-DNA position 1262, C replaced by T.
Protein change: p.Thr421Met; replaces threonine 421 with methionine.
Molecular consequence: missense variant. On other transcripts: 3 prime UTR variant (2), non-coding transcript variant (1).
Genome position (GRCh38, 1-based): chr17:80,210,699, G>A on the plus strand (C>T on the coding strand, the complement: SGSH is on the minus strand). VCF-style: chr17-80210699-G-A. GRCh37 (hg19) VCF-style: chr17-78184498-G-A.
Other names: c.*349C>T (NM_001352921.3); c.*312C>T (NM_001352922.2); short protein forms T421M.
Identifiers: ClinVar variation 889231 (VCV000889231.11), dbSNP rs767649680, ClinGen allele CA8817634.
Genomic context (GRCh38, chr17:80,210,699, plus strand): 5'-CGGTCGTAGAGCTCCCAGCGCGCCCGGTAGTAGTAATGACGGAGGTCCTTGTACCAGCCC[G>A]TGGGCTGACCAGCTGTGGTGCGGTTCAGGAGGTCCTGGAAGGTGGGTGAGACGTAGAAGT-3'
Protein context (NP_000190.1, residues 411-431): LLNRTTAGQP[Thr421Met]GWYKDLRHYY